The following is an entry in ClinVar:

ClinVar aggregate classification (germline): Uncertain significance (1 of 4 stars; one submission).

Conditions:
Cystic fibrosis (CF). Also called: MUCOVISCIDOSIS. Identifiers: Orphanet 586, MedGen C0010674, MONDO:0009061, OMIM 219700. Disease mechanism: loss of function.

Submission:

Ambry Genetics
Classification: Uncertain significance for Cystic fibrosis. Last evaluated: 2017-03-14. Review status: criteria provided, single submitter. Criteria: Ambry Variant Classification Scheme 2023. Collection method: clinical testing. Allele origin: germline.
Comment: The p.T164I variant (also known as c.491C>T), located in coding exon 5 of the CFTR gene, results from a C to T substitution at nucleotide position 491. The threonine at codon 164 is replaced by isoleucine, an amino acid with similar properties. This amino acid position is well conserved in available vertebrate species. In addition, the in silico prediction for this alteration is inconclusive. Since supporting evidence is limited at this time, the clinical significance of this alteration remains unclear.

NM_000492.4(CFTR):c.491C>T (p.Thr164Ile)

Gene: CFTR (CF transmembrane conductance regulator; plus strand). Cytogenetic location: 7q31.2.
Variant type: single nucleotide variant.
Coding change: c.491C>T on transcript NM_000492.4 (MANE Select); coding-DNA position 491, C replaced by T.
Protein change: p.Thr164Ile; replaces threonine 164 with isoleucine.
Molecular consequence: missense variant.
Genome position (GRCh38, 1-based): chr7:117,534,277, C>T. VCF-style: chr7-117534277-C-T. GRCh37 (hg19) VCF-style: chr7-117174331-C-T.
Other names: short protein forms T164I.
Identifiers: ClinVar variation 1744105 (VCV001744105.2), dbSNP rs2485014122, ClinGen allele CA368976311.